The following is an entry in ClinVar:

ClinVar aggregate classification (germline): Likely benign. Review status: criteria provided, single submitter (1 of 4 stars). 2 submissions from 2 submitters: Likely benign (1). 1 of the submissions does not count toward it. Last evaluated 2026-01-20.

Conditions:
DSCAML1-related disorder. Also called: DSCAML1-related condition.

Allele frequency attached by ClinVar (database versions not stated): ESP Exome Variant Server 0.00008; gnomAD 0.00016 and 0.00017; gnomAD exomes 0.00022 and 0.00027; ExAC 0.00024; TOPMed 0.00031.
gnomAD v4.1: 345 of 1,606,546 alleles (0.021%); highest among the groups gnomAD compares: Middle Eastern, 0.22%; 1 homozygote.

Submissions (2):

Labcorp Genetics (formerly Invitae), Labcorp
Classification: Likely benign. Last evaluated: 2026-01-20. Review status: criteria provided, single submitter. Criteria: Invitae Variant Classification Sherloc (09022015). Collection method: clinical testing. Allele origin: germline.

PreventionGenetics, part of Exact Sciences
Classification: Likely benign for DSCAML1-related condition. Last evaluated: 2019-07-13. Review status: no assertion criteria provided. Collection method: clinical testing. Allele origin: germline. Not counted in ClinVar's aggregate classification.
Comment: This variant is classified as likely benign based on ACMG/AMP sequence variant interpretation guidelines (Richards et al. 2015 PMID: 25741868, with internal and published modifications).

NM_020693.4(DSCAML1):c.5220C>G (p.Thr1740=)

Gene: DSCAML1 (DS cell adhesion molecule like 1; minus strand). Cytogenetic location: 11q23.3.
Variant type: single nucleotide variant.
Coding change: c.5220C>G on transcript NM_020693.4 (MANE Select); coding-DNA position 5220, C replaced by G.
Protein change: p.Thr1740=; no amino-acid change (threonine 1740 retained).
Molecular consequence: synonymous variant.
Genome position (GRCh38, 1-based): chr11:117,431,688, G>C on the plus strand (C>G on the coding strand, the complement: DSCAML1 is on the minus strand). VCF-style: chr11-117431688-G-C. GRCh37 (hg19) VCF-style: chr11-117302404-G-C.
Other names: c.5400C>G (NM_020693.3).
Identifiers: ClinVar variation 1590483 (VCV001590483.10), dbSNP rs375566375, ClinGen allele CA6296126.
Genomic context (GRCh38, chr11:117,431,688, plus strand): 5'-GCGGGCAGGTGTGGAGGCCTGGCACTTGGTCAGGGTCCACTGGCTTGAGTACCGGTTCCG[G>C]GTGCTGTGGGCTGACTTCACATTCTTCCTGGACACTGGATCTGCACAGACAGAAGCAAGA-3'
Protein context (NP_065744.3, residues 1730-1750): SRKNVKSAHS[Thr1740=]RNRYSSQWTL